The following is an entry in ClinVar:

NM_007294.4(BRCA1):c.4509A>G (p.Ser1503=)

Gene: BRCA1 (BRCA1 DNA repair associated; minus strand). Cytogenetic location: 17q21.31.
Variant type: single nucleotide variant.
Coding change: c.4509A>G on transcript NM_007294.4 (MANE Select); coding-DNA position 4509, A replaced by G.
Protein change: p.Ser1503=; no amino-acid change (serine 1503 retained).
Molecular consequence: synonymous variant. On other transcripts: intron variant (3).
Genome position (GRCh38, 1-based): chr17:43,074,497, T>C on the plus strand (A>G on the coding strand, the complement: BRCA1 is on the minus strand). VCF-style: chr17-43074497-T-C. GRCh37 (hg19) VCF-style: chr17-41226514-T-C.
Other names: c.4296A>G, p.Ser1432= (NM_001407571.1, NM_001407894.1, NM_001407895.1 and 12 more transcripts); c.4575A>G, p.Ser1525= (NM_001407581.1, NM_001407582.1); c.4572A>G, p.Ser1524= (NM_001407583.1, NM_001407585.1, NM_001407587.1 and 1 more transcripts); c.4569A>G, p.Ser1523= (NM_001407590.1, NM_001407591.1); c.4509A>G, p.Ser1503= (NM_001407593.1, NM_001407594.1, NM_001407596.1 and 8 more transcripts); c.4506A>G, p.Ser1502= (NM_001407610.1, NM_001407611.1, NM_001407612.1 and 17 more transcripts); c.4503A>G, p.Ser1501= (NM_001407627.1, NM_001407628.1, NM_001407629.1 and 14 more transcripts); c.4500A>G, p.Ser1500= (NM_001407644.1, NM_001407645.1); and 71 more.
Identifiers: ClinVar variation 1625999 (VCV001625999.32), dbSNP rs2052615793, ClinGen allele CA500146673.

ClinVar aggregate classification (germline): Likely benign. Review status: criteria provided, multiple submitters, no conflicts (2 of 4 stars). 4 submissions from 4 submitters: Likely benign (4). Last evaluated 2024-05-31.

Conditions:
Hereditary cancer-predisposing syndrome. Also called: Hereditary Cancer Syndrome; Neoplastic Syndromes, Hereditary; Hereditary neoplastic syndrome; Tumor predisposition. Identifiers: Orphanet 140162, MedGen C0027672, MeSH D009386, MONDO:0015356.
Hereditary breast ovarian cancer syndrome. Also called: Breast and ovarian cancer; Hereditary breast and/or ovarian cancer syndrome; Hereditary breast and ovarian cancer syndrome; Hereditary breast and ovarian cancer; Hereditary breast and ovarian cancer syndrome (HBOC); BRCA1- and BRCA2-Associated Hereditary Breast and Ovarian Cancer. Identifiers: Orphanet 145, MedGen C0677776, MeSH D061325, MONDO:0003582. Disease mechanism: loss of function.

Allele frequency attached by ClinVar (database versions not stated): TOPMed 0.00002.

Submissions (4):

Blueprint Genetics
Classification: Likely benign. Last evaluated: 2024-05-31. Review status: criteria provided, single submitter. Criteria: ACMG Guidelines, 2015. Collection method: clinical testing. Allele origin: germline.

CeGaT Center for Human Genetics Tuebingen
Classification: Likely benign. Last evaluated: 2024-04-01. Review status: criteria provided, single submitter. Criteria: CeGaT Center For Human Genetics Tuebingen Variant Classification Criteria Version 2. Collection method: clinical testing. Allele origin: germline. Affected: yes. Observed: 1 variant allele.
Comment: BRCA1: PM2:Supporting, BP4, BP7

Labcorp Genetics (formerly Invitae), Labcorp
Classification: Likely benign for Hereditary breast ovarian cancer syndrome. Last evaluated: 2024-01-17. Review status: criteria provided, single submitter. Criteria: Invitae Variant Classification Sherloc (09022015). Collection method: clinical testing. Allele origin: germline.

Ambry Genetics
Classification: Likely benign for Hereditary cancer-predisposing syndrome. Last evaluated: 2021-11-10. Review status: criteria provided, single submitter. Criteria: Ambry Variant Classification Scheme 2023. Collection method: clinical testing. Allele origin: germline.